The following is an entry in ClinVar:

NM_000355.4(TCN2):c.358A>G (p.Arg120Gly)

Gene: TCN2 (transcobalamin 2; plus strand). Cytogenetic location: 22q12.2.
Variant type: single nucleotide variant.
Coding change: c.358A>G on transcript NM_000355.4 (MANE Select); coding-DNA position 358, A replaced by G.
Protein change: p.Arg120Gly; replaces arginine 120 with glycine.
Molecular consequence: missense variant. On other transcripts: intron variant (1).
Genome position (GRCh38, 1-based): chr22:30,612,973, A>G. VCF-style: chr22-30612973-A-G. GRCh37 (hg19) VCF-style: chr22-31008960-A-G.
Other names: c.346+12A>G (NM_001184726.2); short protein forms R120G.
Identifiers: ClinVar variation 3702776 (VCV003702776.2).

ClinVar aggregate classification (germline): Uncertain significance (1 of 4 stars; one submission).

Conditions:
Transcobalamin II deficiency (TCN2D). Also called: Transcolabamin II deficiency; TC II DEFICIENCY; TCN2 DEFICIENCY. Identifiers: Orphanet 859, MedGen C0342701, MONDO:0010149, OMIM 275350.

gnomAD v4.1: 10 of 1,614,194 alleles (0.00062%); highest among the groups gnomAD compares: South Asian, 0.0055%; no homozygotes.

Submission:

Labcorp Genetics (formerly Invitae), Labcorp
Classification: Uncertain significance for Transcobalamin II deficiency. Last evaluated: 2024-02-23. Review status: criteria provided, single submitter. Criteria: Invitae Variant Classification Sherloc (09022015). Collection method: clinical testing. Allele origin: germline.
Comment: This sequence change replaces arginine, which is basic and polar, with glycine, which is neutral and non-polar, at codon 120 of the TCN2 protein (p.Arg120Gly). This variant is present in population databases (rs775433848, gnomAD 0.003%). This variant has not been reported in the literature in individuals affected with TCN2-related conditions. Advanced modeling of protein sequence and biophysical properties (such as structural, functional, and spatial information, amino acid conservation, physicochemical variation, residue mobility, and thermodynamic stability) performed at Invitae indicates that this missense variant is not expected to disrupt TCN2 protein function with a negative predictive value of 80%. In summary, the available evidence is currently insufficient to determine the role of this variant in disease. Therefore, it has been classified as a Variant of Uncertain Significance.